The following is an entry in ClinVar:

ClinVar aggregate classification (germline): Uncertain significance (1 of 4 stars; one submission).

gnomAD v4.1: 1 of 1,008,554 alleles (0.000099%); highest among the groups gnomAD compares: African/African-American, 0.0018%; no homozygotes.

Submission:

CeGaT Center for Human Genetics Tuebingen
Classification: Uncertain significance. Last evaluated: 2023-06-01. Review status: criteria provided, single submitter. Criteria: CeGaT Center For Human Genetics Tuebingen Variant Classification Criteria Version 2. Collection method: clinical testing. Allele origin: germline. Affected: yes. Observed: 1 variant allele.
Comment: SMARCA2: PM2, PP2

NM_003070.5(SMARCA2):c.811G>C (p.Gly271Arg)

Gene: SMARCA2 (SWI/SNF related BAF chromatin remodeling complex subunit ATPase 2; plus strand). Cytogenetic location: 9p24.3.
Variant type: single nucleotide variant.
Coding change: c.811G>C on transcript NM_003070.5 (MANE Select); coding-DNA position 811, G replaced by C.
Protein change: p.Gly271Arg; replaces glycine 271 with arginine.
Molecular consequence: missense variant.
Genome position (GRCh38, 1-based): chr9:2,047,249, G>C. VCF-style: chr9-2047249-G-C. GRCh37 (hg19) VCF-style: chr9-2047249-G-C.
Other names: c.811G>C, p.Gly271Arg (NM_001289396.2, NM_001289397.2, NM_139045.4); short protein forms G271R.
Identifiers: ClinVar variation 2659030 (VCV002659030.23), dbSNP rs1217837747, ClinGen allele CA372780731.
Genomic context (GRCh38, chr9:2,047,249, plus strand): 5'-CCGTCCCGCCCGAGCTGCCCATGTCGCTCTTGTCCCGCAGGCCCGGGGCCGGAGCTGAGC[G>C]GCCCGAGCACCCCGCAGAAGCTGCCGGTGCCCGCGCCCGGCGGCCGGCCCTCGCCCGCGC-3'
Protein context (NP_003061.3, residues 261-281): RPSGPGPELS[Gly271Arg]PSTPQKLPVP